The following is an entry in ClinVar:

ClinVar aggregate classification (germline): Pathogenic/Likely pathogenic. Review status: criteria provided, multiple submitters, no conflicts (2 of 4 stars). 3 submissions from 3 submitters: Pathogenic (1); Likely pathogenic (1). 1 of the submissions does not count toward it. Last evaluated 2023-07-30.

Conditions:
Ovarian carcinoma. Identifiers: MedGen C4721610, MONDO:0005140, HP:0025318.
Aplastic anemia. Identifiers: Orphanet 182040, Orphanet 88, MedGen C0002874, MONDO:0015909, OMIM 609135, HP:0001915.
Microcephaly, normal intelligence and immunodeficiency (NBS). Also called: Immunodeficiency, microcephaly with normal intelligence; Microcephaly with normal intelligence immunodeficiency and lymphoreticular malignancies; Nonsyndromal microcephaly autosomal recessive with normal intelligence; Seemanova syndrome 2; Ataxia telangiectasia variant V1; BERLIN BREAKAGE SYNDROME. Identifiers: Orphanet 647, MedGen C0398791, MONDO:0009623, OMIM 251260.

Submissions (3):

Labcorp Genetics (formerly Invitae), Labcorp
Classification: Pathogenic for Microcephaly, normal intelligence and immunodeficiency. Last evaluated: 2023-07-30. Review status: criteria provided, single submitter. Criteria: Invitae Variant Classification Sherloc (09022015). Collection method: clinical testing. Allele origin: germline.
Comment: For these reasons, this variant has been classified as Pathogenic. ClinVar contains an entry for this variant (Variation ID: 1244220). This variant has not been reported in the literature in individuals affected with NBN-related conditions. This variant is not present in population databases (gnomAD no frequency). This sequence change creates a premature translational stop signal (p.Glu383*) in the NBN gene. It is expected to result in an absent or disrupted protein product. Loss-of-function variants in NBN are known to be pathogenic (PMID: 9590180, 16415040).

Baylor Genetics
Classification: Likely pathogenic for Aplastic anemia. Last evaluated: 2022-10-19. Review status: criteria provided, single submitter. Criteria: ACMG Guidelines, 2015. Collection method: clinical testing. Allele origin: unknown.

Medical Genetics Laboratory, Umraniye Training and Research Hospital, University of Health Sciences
Classification: Pathogenic for Ovarian carcinoma. Last evaluated: 2021-09-12. Review status: no assertion criteria provided. Collection method: clinical testing. Allele origin: germline. Inheritance: Autosomal dominant inheritance. Affected: yes. Observed: 1 heterozygote. Not counted in ClinVar's aggregate classification.

Literature cited by the submitters: PubMed 9590180 (cited by Labcorp Genetics (formerly Invitae), Labcorp); PubMed 16415040 (cited by Labcorp Genetics (formerly Invitae), Labcorp).

NM_002485.5(NBN):c.1147G>T (p.Glu383Ter)

Gene: NBN (nibrin; minus strand). Cytogenetic location: 8q21.3.
Variant type: single nucleotide variant.
Coding change: c.1147G>T on transcript NM_002485.5 (MANE Select); coding-DNA position 1147, G replaced by T.
Protein change: p.Glu383Ter; replaces glutamic acid 383 with a stop codon.
Molecular consequence: nonsense.
Genome position (GRCh38, 1-based): chr8:89,955,533, C>A on the plus strand (G>T on the coding strand, the complement: NBN is on the minus strand). VCF-style: chr8-89955533-C-A. GRCh37 (hg19) VCF-style: chr8-90967761-C-A.
Other names: c.901G>T, p.Glu301Ter (NM_001024688.3); short protein forms E301*, E383*.
Identifiers: ClinVar variation 1244220 (VCV001244220.9), dbSNP rs772909239, ClinGen allele CA371656491.